The following is an entry in ClinVar:

NM_007208.4(MRPL3):c.862T>C (p.Ser288Pro)

Gene: MRPL3 (mitochondrial ribosomal protein L3; minus strand). Cytogenetic location: 3q22.1.
Variant type: single nucleotide variant.
Coding change: c.862T>C on transcript NM_007208.4 (MANE Select); coding-DNA position 862, T replaced by C.
Protein change: p.Ser288Pro; replaces serine 288 with proline.
Molecular consequence: missense variant.
Genome position (GRCh38, 1-based): chr3:131,468,123, A>G on the plus strand (T>C on the coding strand, the complement: MRPL3 is on the minus strand). VCF-style: chr3-131468123-A-G. GRCh37 (hg19) VCF-style: chr3-131186967-A-G.
Other names: short protein forms S288P.
Identifiers: ClinVar variation 1027733 (VCV001027733.6), dbSNP rs143788120, ClinGen allele CA2616910.

ClinVar aggregate classification (germline): Uncertain significance. Review status: criteria provided, multiple submitters, no conflicts (2 of 4 stars). 2 submissions from 2 submitters: Uncertain significance (2). Last evaluated 2025-12-20.

Conditions:
Combined oxidative phosphorylation defect type 9. Identifiers: Orphanet 319509, MedGen C4706315, MONDO:0013811, OMIM 614582.

Allele frequency attached by ClinVar (database versions not stated): gnomAD 0.00027 and 0.00030; TOPMed 0.00031; gnomAD exomes 0.00034; ExAC 0.00041; ESP Exome Variant Server 0.00046; 1000 Genomes Project 0.00060; 1000 Genomes Project 30x 0.00062.
gnomAD v4.1: 543 of 1,594,540 alleles (0.034%); highest among the groups gnomAD compares: Middle Eastern, 0.2%; 1 homozygote.

Submissions (2):

Labcorp Genetics (formerly Invitae), Labcorp
Classification: Uncertain significance. Last evaluated: 2025-12-20. Review status: criteria provided, single submitter. Criteria: Invitae Variant Classification Sherloc (09022015). Collection method: clinical testing. Allele origin: germline.
Comment: This sequence change replaces serine, which is neutral and polar, with proline, which is neutral and non-polar, at codon 288 of the MRPL3 protein (p.Ser288Pro). This variant is present in population databases (rs143788120, gnomAD 0.06%). This variant has not been reported in the literature in individuals affected with MRPL3-related conditions. ClinVar contains an entry for this variant (Variation ID: 1027733). Invitae Evidence Modeling of protein sequence and biophysical properties (such as structural, functional, and spatial information, amino acid conservation, physicochemical variation, residue mobility, and thermodynamic stability) indicates that this missense variant is not expected to disrupt MRPL3 protein function with a negative predictive value of 80%. In summary, the available evidence is currently insufficient to determine the role of this variant in disease. Therefore, it has been classified as a Variant of Uncertain Significance.

Baylor Genetics
Classification: Uncertain significance for Combined oxidative phosphorylation defect type 9. Last evaluated: 2020-05-05. Review status: criteria provided, single submitter. Criteria: ACMG Guidelines, 2015. Collection method: clinical testing. Allele origin: unknown. Affected: yes.
Comment: This variant was determined to be of uncertain significance according to ACMG Guidelines, 2015 [PMID:25741868].